The following is an entry in ClinVar:

NM_004462.5(FDFT1):c.100-84TCCCAC[11]

Gene: FDFT1 (farnesyl-diphosphate farnesyltransferase 1). Cytogenetic location: 8p23.1.
Variant type: Microsatellite.
Coding change: c.100-84TCCCAC[11] on transcript NM_004462.5 (MANE Select); 11 copies in a row of the 6-base unit TCCCAC starting at c.100-84.
Molecular consequence: intron variant. On other transcripts: inframe indel (1), inframe insertion (1).
Genome position: GRCh38 VCF-style: chr8-11808709-G-GTCCCACTCCCACTCCCACTCCCACTCCCAC. GRCh37 (hg19) VCF-style: chr8-11666218-G-GTCCCACTCCCACTCCCACTCCCACTCCCAC.
Other names: c.202_231dup (NM_001287750.1); c.202_231dup30 (NM_001287750.1); c.196CACTCC[11], p.Ser77_Cys78insHisSerHisSerHisSerHisSerHisSer (NM_001287750.2); c.100-84TCCCAC[11] (NM_001287742.2, NM_001287743.2); c.-93-84TCCCAC[11] (NM_001287744.2, NM_001287745.2, NM_001287747.2 and 2 more transcripts); c.64+5800TCCCAC[11] (NM_001287756.2).
Identifiers: ClinVar variation 1301611 (VCV001301611.4), dbSNP rs71711801, ClinGen allele CA1110743709.

ClinVar aggregate classification (germline): Conflicting classifications of pathogenicity. Review status: criteria provided, conflicting classifications (1 of 4 stars). 3 submissions from 3 submitters: Uncertain significance (2); Likely benign (1). Last evaluated 2025-02-20.

Conditions:
Squalene synthase deficiency. Also called: NEURODEVELOPMENTAL DISORDER WITH LOW CHOLESTEROL AND ABNORMAL URINE ORGANIC ACIDS. Identifiers: MedGen C4748427, MONDO:0032566, OMIM 618156.
FDFT1-related disorder. Also called: FDFT1-related condition.

Submissions (3):

PreventionGenetics, part of Exact Sciences
Classification: Likely benign for FDFT1-related condition. Last evaluated: 2025-02-20. Review status: criteria provided, single submitter. Criteria: ACMG Guidelines, 2015. Collection method: clinical testing. Allele origin: germline.
Comment: This variant is classified as likely benign based on ACMG/AMP sequence variant interpretation guidelines (Richards et al. 2015 PMID: 25741868, with internal and published modifications).

Dubai Health Genomic Medicine Center, Dubai Health
Classification: Uncertain significance for Squalene synthase deficiency. Last evaluated: 2020-03-19. Review status: criteria provided, single submitter. Criteria: ACMG Guidelines, 2015. Collection method: clinical testing. Allele origin: germline. Affected: yes.

Breakthrough Genomics
Classification: Uncertain significance. Review status: criteria provided, single submitter. Criteria: ACMG Guidelines, 2015. Collection method: not provided. Allele origin: germline. Inheritance: Autosomal recessive inheritance. Affected: yes.